The following is an entry in ClinVar:

NM_020964.3(EPG5):c.5531A>G (p.Gln1844Arg)

Gene: EPG5 (ectopic P-granules 5 autophagy tethering factor; minus strand). Cytogenetic location: 18q12.3.
Variant type: single nucleotide variant.
Coding change: c.5531A>G on transcript NM_020964.3 (MANE Select); coding-DNA position 5531, A replaced by G.
Protein change: p.Gln1844Arg; replaces glutamine 1844 with arginine.
Molecular consequence: missense variant.
Genome position (GRCh38, 1-based): chr18:45,880,211, T>C on the plus strand (A>G on the coding strand, the complement: EPG5 is on the minus strand). VCF-style: chr18-45880211-T-C. GRCh37 (hg19) VCF-style: chr18-43460176-T-C.
Other names: short protein forms Q1844R.
Identifiers: ClinVar variation 1396834 (VCV001396834.4), dbSNP rs1232750336, ClinGen allele CA402343926.

ClinVar aggregate classification (germline): Uncertain significance (1 of 4 stars; one submission).

Conditions:
Vici syndrome (VICIS). Identifiers: Orphanet 1493, MedGen C1855772, MONDO:0009452, OMIM 242840.

Allele frequency attached by ClinVar (database versions not stated): gnomAD exomes below 0.00001 and 0.00001; TOPMed 0.00001.
gnomAD v4.1: 9 of 1,599,368 alleles (0.00056%); highest among the groups gnomAD compares: Middle Eastern, 0.017%; no homozygotes.

Submission:

Labcorp Genetics (formerly Invitae), Labcorp
Classification: Uncertain significance for Vici syndrome. Last evaluated: 2021-09-30. Review status: criteria provided, single submitter. Criteria: Invitae Variant Classification Sherloc (09022015). Collection method: clinical testing. Allele origin: germline.
Comment: This sequence change replaces glutamine with arginine at codon 1844 of the EPG5 protein (p.Gln1844Arg). The glutamine residue is highly conserved and there is a small physicochemical difference between glutamine and arginine. This variant is not present in population databases (ExAC no frequency). This variant has not been reported in the literature in individuals affected with EPG5-related conditions. Algorithms developed to predict the effect of missense changes on protein structure and function are either unavailable or do not agree on the potential impact of this missense change (SIFT: "Deleterious"; PolyPhen-2: "Possibly Damaging"; Align-GVGD: "Class C0"). In summary, the available evidence is currently insufficient to determine the role of this variant in disease. Therefore, it has been classified as a Variant of Uncertain Significance.